The following is an entry in ClinVar:

ClinVar aggregate classification (germline): Uncertain significance (1 of 4 stars; one submission).

Conditions:
Immunodeficiency 104. Also called: Severe combined immunodeficiency, autosomal recessive, T cell-negative, B cell-positive, NK cell-positive; IMMUNODEFICIENCY 104, SEVERE COMBINED; SCID, AUTOSOMAL RECESSIVE, T CELL-NEGATIVE, B CELL-POSITIVE, NK CELL-POSITIVE; Severe Combined Immune Deficiency, Autosomal Recessive, TCell -Negative, B Cell-Positive, NK Cell-Positive, IL7R-Related. Identifiers: MedGen C5676890, MONDO:0012163, OMIM 608971.

Allele frequency attached by ClinVar (database versions not stated): ExAC 0.00001; gnomAD 0.00001; 1000 Genomes Project 30x 0.00016; 1000 Genomes Project 0.00020.
gnomAD v4.1: 1 of 1,605,750 alleles (0.000062%); highest among the groups gnomAD compares: African/African-American, 0.0013%; no homozygotes.

Submission:

Labcorp Genetics (formerly Invitae), Labcorp
Classification: Uncertain significance for Immunodeficiency 104. Last evaluated: 2021-12-19. Review status: criteria provided, single submitter. Criteria: Invitae Variant Classification Sherloc (09022015). Collection method: clinical testing. Allele origin: germline.
Comment: This sequence change replaces asparagine, which is neutral and polar, with serine, which is neutral and polar, at codon 913 of the PTPRC protein (p.Asn913Ser). This variant is present in population databases (rs532932175, gnomAD 0.007%). This variant has not been reported in the literature in individuals affected with PTPRC-related conditions. Algorithms developed to predict the effect of missense changes on protein structure and function (SIFT, PolyPhen-2, Align-GVGD) all suggest that this variant is likely to be disruptive. Algorithms developed to predict the effect of sequence changes on RNA splicing suggest that this variant may create or strengthen a splice site. In summary, the available evidence is currently insufficient to determine the role of this variant in disease. Therefore, it has been classified as a Variant of Uncertain Significance.

NM_002838.5(PTPRC):c.2738A>G (p.Asn913Ser)

Gene: PTPRC (protein tyrosine phosphatase receptor type C; plus strand). Cytogenetic location: 1q32.1.
Variant type: single nucleotide variant.
Coding change: c.2738A>G on transcript NM_002838.5 (MANE Select); coding-DNA position 2738, A replaced by G.
Protein change: p.Asn913Ser; replaces asparagine 913 with serine.
Molecular consequence: missense variant.
Genome position (GRCh38, 1-based): chr1:198,744,094, A>G. VCF-style: chr1-198744094-A-G. GRCh37 (hg19) VCF-style: chr1-198713223-A-G.
Other names: c.2255A>G, p.Asn752Ser (NM_080921.4); short protein forms N913S, N752S.
Identifiers: ClinVar variation 1924141 (VCV001924141.2), dbSNP rs532932175, ClinGen allele CA1315231.